The following is an entry in ClinVar:

NM_001128178.3(NPHP1):c.28C>G (p.Leu10Val)

Gene: NPHP1 (nephrocystin 1; minus strand). Cytogenetic location: 2q13.
Variant type: single nucleotide variant.
Coding change: c.28C>G on transcript NM_001128178.3 (MANE Select); coding-DNA position 28, C replaced by G.
Protein change: p.Leu10Val; replaces leucine 10 with valine.
Molecular consequence: missense variant.
Genome position (GRCh38, 1-based): chr2:110,204,941, G>C on the plus strand (C>G on the coding strand, the complement: NPHP1 is on the minus strand). VCF-style: chr2-110204941-G-C. GRCh37 (hg19) VCF-style: chr2-110962518-G-C.
Other names: c.28C>G, p.Leu10Val (NM_000272.5, NM_001128179.3, NM_001374256.1 and 2 more transcripts); short protein forms L10V.
Identifiers: ClinVar variation 1395543 (VCV001395543.3), dbSNP rs1422250227, ClinGen allele CA348094315.

ClinVar aggregate classification (germline): Uncertain significance (1 of 4 stars; one submission).

Conditions:
Nephronophthisis. Also called: Juvenile Nephronophthisis. Identifiers: Orphanet 655, MedGen C0687120, MONDO:0019005, HP:0000090.

Submission:

Labcorp Genetics (formerly Invitae), Labcorp
Classification: Uncertain significance for Nephronophthisis. Last evaluated: 2022-07-19. Review status: criteria provided, single submitter. Criteria: Invitae Variant Classification Sherloc (09022015). Collection method: clinical testing. Allele origin: germline.
Comment: This sequence change replaces leucine, which is neutral and non-polar, with valine, which is neutral and non-polar, at codon 10 of the NPHP1 protein (p.Leu10Val). This variant is not present in population databases (gnomAD no frequency). This variant has not been reported in the literature in individuals affected with NPHP1-related conditions. ClinVar contains an entry for this variant (Variation ID: 1395543). Algorithms developed to predict the effect of missense changes on protein structure and function are either unavailable or do not agree on the potential impact of this missense change (SIFT: "Deleterious"; PolyPhen-2: "Probably Damaging"; Align-GVGD: "Class C0"). In summary, the available evidence is currently insufficient to determine the role of this variant in disease. Therefore, it has been classified as a Variant of Uncertain Significance.